The following is an entry in ClinVar:

ClinVar aggregate classification (germline): Uncertain significance (1 of 4 stars; one submission).

Conditions:
Genitopatellar syndrome (GTPTS). Also called: Genitopatellar syndrome (GPS); ABSENT PATELLAE, SCROTAL HYPOPLASIA, RENAL ANOMALIES, FACIAL DYSMORPHISM, AND MENTAL RETARDATION. Identifiers: Orphanet 85201, MedGen C1853566, MONDO:0011640, OMIM 606170.

Submission:

Labcorp Genetics (formerly Invitae), Labcorp
Classification: Uncertain significance for Genitopatellar syndrome. Last evaluated: 2023-05-20. Review status: criteria provided, single submitter. Criteria: Invitae Variant Classification Sherloc (09022015). Collection method: clinical testing. Allele origin: germline.
Comment: This sequence change replaces isoleucine, which is neutral and non-polar, with threonine, which is neutral and polar, at codon 723 of the KAT6B protein (p.Ile723Thr). In summary, the available evidence is currently insufficient to determine the role of this variant in disease. Therefore, it has been classified as a Variant of Uncertain Significance. Advanced modeling of protein sequence and biophysical properties (such as structural, functional, and spatial information, amino acid conservation, physicochemical variation, residue mobility, and thermodynamic stability) performed at Invitae indicates that this missense variant is expected to disrupt KAT6B protein function. This variant has not been reported in the literature in individuals affected with KAT6B-related conditions. This variant is not present in population databases (gnomAD no frequency).

NM_012330.4(KAT6B):c.2168T>C (p.Ile723Thr)

Gene: KAT6B (lysine acetyltransferase 6B; plus strand). Cytogenetic location: 10q22.2.
Variant type: single nucleotide variant.
Coding change: c.2168T>C on transcript NM_012330.4 (MANE Select); coding-DNA position 2168, T replaced by C.
Protein change: p.Ile723Thr; replaces isoleucine 723 with threonine.
Molecular consequence: missense variant. On other transcripts: intron variant (2).
Genome position (GRCh38, 1-based): chr10:74,979,276, T>C. VCF-style: chr10-74979276-T-C. GRCh37 (hg19) VCF-style: chr10-76739034-T-C.
Other names: c.1619T>C, p.Ile540Thr (NM_001256468.2, NM_001370138.1); c.1292T>C, p.Ile431Thr (NM_001256469.2, NM_001370132.1, NM_001370139.1 and 3 more transcripts); c.245T>C, p.Ile82Thr (NM_001370134.1); c.2168T>C, p.Ile723Thr (NM_001370136.1, NM_001370137.1); c.1103T>C, p.Ile368Thr (NM_001370143.1, NM_001370144.1); c.846+9501T>C (NM_001370133.1); c.193-9743T>C (NM_001370135.1); short protein forms I368T, I431T, I723T, I540T, I82T.
Identifiers: ClinVar variation 2866261 (VCV002866261.3), dbSNP rs2548975803, ClinGen allele CA377292105.